The following is an entry in ClinVar:

NM_002181.4(IHH):c.937C>A (p.Gln313Lys)

Gene: IHH (Indian hedgehog signaling molecule; minus strand). Cytogenetic location: 2q35.
Variant type: single nucleotide variant.
Coding change: c.937C>A on transcript NM_002181.4 (MANE Select); coding-DNA position 937, C replaced by A.
Protein change: p.Gln313Lys; replaces glutamine 313 with lysine.
Molecular consequence: missense variant.
Genome position (GRCh38, 1-based): chr2:219,055,506, G>T on the plus strand (C>A on the coding strand, the complement: IHH is on the minus strand). VCF-style: chr2-219055506-G-T. GRCh37 (hg19) VCF-style: chr2-219920228-G-T.
Other names: short protein forms Q313K.
Identifiers: ClinVar variation 4695975 (VCV004695975.1).

ClinVar aggregate classification (germline): Uncertain significance (1 of 4 stars; one submission).

Submission:

Labcorp Genetics (formerly Invitae), Labcorp
Classification: Uncertain significance. Last evaluated: 2025-08-07. Review status: criteria provided, single submitter. Criteria: Invitae Variant Classification Sherloc (09022015). Collection method: clinical testing. Allele origin: germline.
Comment: This sequence change replaces glutamine, which is neutral and polar, with lysine, which is basic and polar, at codon 313 of the IHH protein (p.Gln313Lys). This variant is not present in population databases (gnomAD no frequency). This variant has not been reported in the literature in individuals affected with IHH-related conditions. Invitae Evidence Modeling of protein sequence and biophysical properties (such as structural, functional, and spatial information, amino acid conservation, physicochemical variation, residue mobility, and thermodynamic stability) indicates that this missense variant is not expected to disrupt IHH protein function with a negative predictive value of 80%. In summary, the available evidence is currently insufficient to determine the role of this variant in disease. Therefore, it has been classified as a Variant of Uncertain Significance.